The following is an entry in ClinVar:

NM_000081.4(LYST):c.6986A>G (p.Lys2329Arg)

Gene: LYST (lysosomal trafficking regulator; minus strand). Cytogenetic location: 1q42.3.
Variant type: single nucleotide variant.
Coding change: c.6986A>G on transcript NM_000081.4 (MANE Select); coding-DNA position 6986, A replaced by G.
Protein change: p.Lys2329Arg; replaces lysine 2329 with arginine.
Molecular consequence: missense variant.
Genome position (GRCh38, 1-based): chr1:235,757,354, T>C on the plus strand (A>G on the coding strand, the complement: LYST is on the minus strand). VCF-style: chr1-235757354-T-C. GRCh37 (hg19) VCF-style: chr1-235920654-T-C.
Other names: c.6986A>G, p.Lys2329Arg (NM_001301365.1); short protein forms K2329R.
Identifiers: ClinVar variation 1519289 (VCV001519289.7), dbSNP rs532692084, ClinGen allele CA1466253.

ClinVar aggregate classification (germline): Uncertain significance (1 of 4 stars; one submission).

Conditions:
Chédiak-Higashi syndrome (CHS). Also called: Chediak-Higashi Syndrome. Identifiers: Orphanet 167, MedGen C0007965, MONDO:0008963, OMIM 214500.

Allele frequency attached by ClinVar (database versions not stated): gnomAD exomes below 0.00001; ExAC 0.00001; gnomAD 0.00002; 1000 Genomes Project 0.00020; 1000 Genomes Project 30x 0.00031.
gnomAD v4.1: 5 of 1,613,522 alleles (0.00031%); highest among the groups gnomAD compares: South Asian, 0.0022%; no homozygotes.

Submission:

Labcorp Genetics (formerly Invitae), Labcorp
Classification: Uncertain significance for Chédiak-Higashi syndrome. Last evaluated: 2021-01-29. Review status: criteria provided, single submitter. Criteria: Invitae Variant Classification Sherloc (09022015). Collection method: clinical testing. Allele origin: germline.
Comment: In summary, the available evidence is currently insufficient to determine the role of this variant in disease. Therefore, it has been classified as a Variant of Uncertain Significance. Algorithms developed to predict the effect of missense changes on protein structure and function output the following: SIFT: "Tolerated"; PolyPhen-2: "Benign"; Align-GVGD: "Class C0". The arginine amino acid residue is found in multiple mammalian species, suggesting that this missense change does not adversely affect protein function. These predictions have not been confirmed by published functional studies and their clinical significance is uncertain. This variant has not been reported in the literature in individuals with LYST-related conditions. This variant is present in population databases (rs532692084, ExAC 0.006%). This sequence change replaces lysine with arginine at codon 2329 of the LYST protein (p.Lys2329Arg). The lysine residue is weakly conserved and there is a small physicochemical difference between lysine and arginine.